The following is an entry in ClinVar:

ClinVar aggregate classification (germline): Conflicting classifications of pathogenicity. Review status: criteria provided, conflicting classifications (1 of 4 stars). 4 submissions from 4 submitters: Likely pathogenic (1); Uncertain significance (3). Last evaluated 2025-09-03.

Conditions:
Intellectual disability, autosomal dominant 16 (CSS4). Also called: COFFIN-SIRIS SYNDROME 4. Identifiers: Orphanet 1465, MedGen C3553249, MONDO:0013821, OMIM 614609.
Hereditary cancer-predisposing syndrome. Also called: Hereditary neoplastic syndrome; Neoplastic Syndromes, Hereditary; Tumor predisposition; Hereditary Cancer Syndrome. Identifiers: Orphanet 140162, MedGen C0027672, MeSH D009386, MONDO:0015356.
Rhabdoid tumor predisposition syndrome 2 (RTPS2). Identifiers: Orphanet 231108, Orphanet 69077, MedGen C2750074, MONDO:0013224, OMIM 613325.

Allele frequency attached by ClinVar (database versions not stated): TOPMed below 0.00001.
gnomAD v4.1: 3 of 1,613,854 alleles (0.00019%); highest among the groups gnomAD compares: Non-Finnish European, 0.000085%; no homozygotes.

Submissions (4):

Labcorp Genetics (formerly Invitae), Labcorp
Classification: Uncertain significance for Rhabdoid tumor predisposition syndrome 2. Last evaluated: 2025-09-03. Review status: criteria provided, single submitter. Criteria: Invitae Variant Classification Sherloc (09022015). Collection method: clinical testing. Allele origin: germline.
Comment: This sequence change replaces asparagine, which is neutral and polar, with serine, which is neutral and polar, at codon 926 of the SMARCA4 protein (p.Asn926Ser). This variant is not present in population databases (gnomAD no frequency). This missense change has been observed in individual(s) with clinical features of SMARCA4-related conditions (PMID: 34813034). ClinVar contains an entry for this variant (Variation ID: 470319). Invitae Evidence Modeling of protein sequence and biophysical properties (such as structural, functional, and spatial information, amino acid conservation, physicochemical variation, residue mobility, and thermodynamic stability) indicates that this missense variant is expected to disrupt SMARCA4 protein function with a positive predictive value of 95%. In summary, the available evidence is currently insufficient to determine the role of this variant in disease. Therefore, it has been classified as a Variant of Uncertain Significance.

Genome-Nilou Lab
Classification: Uncertain significance for Intellectual disability, autosomal dominant 16. Last evaluated: 2021-07-15. Review status: criteria provided, single submitter. Criteria: ACMG Guidelines, 2015. Collection method: clinical testing. Allele origin: germline. Affected: no.

Center for Molecular Medicine, Children’s Hospital of Fudan University
Classification: Likely pathogenic for Intellectual disability, autosomal dominant 16. Last evaluated: 2021-04-20. Review status: criteria provided, single submitter. Criteria: ACMG Guidelines, 2015. Collection method: clinical testing. Allele origin: unknown. Affected: yes. Observed: 1 variant allele.

Ambry Genetics
Classification: Uncertain significance for Hereditary cancer-predisposing syndrome. Last evaluated: 2019-09-13. Review status: criteria provided, single submitter. Criteria: Ambry Variant Classification Scheme 2023. Collection method: clinical testing. Allele origin: germline.
Comment: The p.N926S variant (also known as c.2777A>G), located in coding exon 18 of the SMARCA4 gene, results from an A to G substitution at nucleotide position 2777. The asparagine at codon 926 is replaced by serine, an amino acid with highly similar properties. This amino acid position is highly conserved in available vertebrate species. In addition, the in silico prediction for this alteration is inconclusive. Since supporting evidence is limited at this time, the clinical significance of this alteration remains unclear.

Literature cited by the submitters: PubMed 34813034 (cited by Labcorp Genetics (formerly Invitae), Labcorp).

NM_003072.5(SMARCA4):c.2777A>G (p.Asn926Ser)

Gene: SMARCA4 (SWI/SNF related BAF chromatin remodeling complex subunit ATPase 4; plus strand). Cytogenetic location: 19p13.2.
Variant type: single nucleotide variant.
Coding change: c.2777A>G on transcript NM_003072.5 (MANE Select); coding-DNA position 2777, A replaced by G.
Protein change: p.Asn926Ser; replaces asparagine 926 with serine.
Molecular consequence: missense variant. On other transcripts: non-coding transcript variant (1).
Genome position (GRCh38, 1-based): chr19:11,021,885, A>G. VCF-style: chr19-11021885-A-G. GRCh37 (hg19) VCF-style: chr19-11132561-A-G.
Other names: c.2777A>G, p.Asn926Ser (NM_001128844.3, NM_001128845.2, NM_001128846.2 and 5 more transcripts); short protein forms N926S.
Identifiers: ClinVar variation 470319 (VCV000470319.19), dbSNP rs1555778797, ClinGen allele CA404056489.